The following is an entry in ClinVar:

GRCh38/hg38 7q11.22-11.23(chr7:72649515-75361855)x3

Genes: ABHD11 (abhydrolase domain containing 11; minus strand), ABHD11-AS1 (ABHD11 antisense RNA 1 (tail to tail); plus strand), BAZ1B (bromodomain adjacent to zinc finger domain 1B; minus strand), BCL7B (BAF chromatin remodeling complex subunit BCL7B; minus strand), BUD23 (BUD23 rRNA methyltransferase and ribosome maturation factor; plus strand) and 160 more. Cytogenetic location: 7q11.22-11.23.
Variant type: copy number gain.
Change: copy number 3 (three copies instead of two) of chr7:72,649,515-75,361,855 (2.71 Mb, GRCh38 coordinates, 1-based), cytogenetic band 7q11.22-11.23.
Identifiers: ClinVar variation 58217 (VCV000058217.2).

ClinVar aggregate classification (germline): Pathogenic (1 of 4 stars; one submission).

Submission:

ISCA Site 6
Classification: Pathogenic. Last evaluated: 2011-08-12. Review status: criteria provided, single submitter. Criteria: Kaminsky et al. (Genet Med. 2011). Collection method: clinical testing. Allele origin: de novo. Affected: yes. Observed: 1 variant allele.
Comment: Copy number variation identified through the course of routine clinical cytogenomic testing in postnatal populations. Clinical assertions have been curated as described in Kaminsky et al. 2011.